The following is an entry in ClinVar:

ClinVar aggregate classification (germline): Uncertain significance. Review status: criteria provided, multiple submitters, no conflicts (2 of 4 stars). 2 submissions from 2 submitters: Uncertain significance (2). Last evaluated 2024-10-11.

Allele frequency attached by ClinVar (database versions not stated): TOPMed below 0.00001; gnomAD 0.00001; gnomAD exomes 0.00001; ExAC 0.00002.
gnomAD v4.1: 9 of 1,610,822 alleles (0.00056%); highest among the groups gnomAD compares: African/African-American, 0.0013%; no homozygotes.

Submissions (2):

GeneDx
Classification: Uncertain significance. Last evaluated: 2024-10-11. Review status: criteria provided, single submitter. Criteria: GeneDx Variant Classification Process June 2021. Collection method: clinical testing. Allele origin: germline. Affected: yes.
Comment: In silico analysis indicates that this missense variant does not alter protein structure/function; Has not been previously published as pathogenic or benign to our knowledge

Labcorp Genetics (formerly Invitae), Labcorp
Classification: Uncertain significance. Last evaluated: 2022-03-29. Review status: criteria provided, single submitter. Criteria: Invitae Variant Classification Sherloc (09022015). Collection method: clinical testing. Allele origin: germline.
Comment: This sequence change replaces alanine, which is neutral and non-polar, with valine, which is neutral and non-polar, at codon 260 of the CACNA1B protein (p.Ala260Val). This variant is present in population databases (rs200683902, gnomAD 0.007%). In summary, the available evidence is currently insufficient to determine the role of this variant in disease. Therefore, it has been classified as a Variant of Uncertain Significance. Advanced modeling of protein sequence and biophysical properties (such as structural, functional, and spatial information, amino acid conservation, physicochemical variation, residue mobility, and thermodynamic stability) performed at Invitae indicates that this missense variant is not expected to disrupt CACNA1B protein function. This variant has not been reported in the literature in individuals affected with CACNA1B-related conditions.

NM_000718.4(CACNA1B):c.779C>T (p.Ala260Val)

Gene: CACNA1B (calcium voltage-gated channel subunit alpha1 B; plus strand). Cytogenetic location: 9q34.3.
Variant type: single nucleotide variant.
Coding change: c.779C>T on transcript NM_000718.4 (MANE Select); coding-DNA position 779, C replaced by T.
Protein change: p.Ala260Val; replaces alanine 260 with valine.
Molecular consequence: missense variant.
Genome position (GRCh38, 1-based): chr9:137,917,244, C>T. VCF-style: chr9-137917244-C-T. GRCh37 (hg19) VCF-style: chr9-140811696-C-T.
Other names: c.779C>T, p.Ala260Val (NM_001243812.2); c.779C>T (NM_000718.3); short protein forms A260V.
Identifiers: ClinVar variation 1950193 (VCV001950193.5), dbSNP rs200683902, ClinGen allele CA5375966.
Genomic context (GRCh38, chr9:137,917,244, plus strand): 5'-GGATTGGAGAGCTTGGTATTTCTGAGCTCAGGGTCTGCTTCATTCTCCTTCTTGCAGATG[C>T]GGAGCCCGTGGGTGACTTCCCCTGTGGCAAGGAGGCCCCAGCCCGGCTGTGCGAGGGCGA-3'
Protein context (NP_000709.1, residues 250-270): HKACFPNSTD[Ala260Val]EPVGDFPCGK